The following is an entry in ClinVar:

NM_176787.5(PIGN):c.2264G>A (p.Gly755Asp)

Gene: PIGN (phosphatidylinositol glycan anchor biosynthesis class N; minus strand). Cytogenetic location: 18q21.33.
Variant type: single nucleotide variant.
Coding change: c.2264G>A on transcript NM_176787.5 (MANE Select); coding-DNA position 2264, G replaced by A.
Protein change: p.Gly755Asp; replaces glycine 755 with aspartic acid.
Molecular consequence: missense variant.
Genome position (GRCh38, 1-based): chr18:62,090,495, C>T on the plus strand (G>A on the coding strand, the complement: PIGN is on the minus strand). VCF-style: chr18-62090495-C-T. GRCh37 (hg19) VCF-style: chr18-59757728-C-T.
Other names: c.2264G>A, p.Gly755Asp (NM_012327.6); short protein forms G755D.
Identifiers: ClinVar variation 942135 (VCV000942135.7), dbSNP rs377599365, ClinGen allele CA402602397.

ClinVar aggregate classification (germline): Uncertain significance (1 of 4 stars; one submission).

Conditions:
Multiple congenital anomalies-hypotonia-seizures syndrome 1 (MCAHS1). Also called: PIGN-CDG; Congenital disorder of glycosylation due to PIGN deficiency; GLYCOSYLPHOSPHATIDYLINOSITOL BIOSYNTHESIS DEFECT 3. Identifiers: Orphanet 280633, MedGen C3279775, MONDO:0013563, OMIM 614080.

Allele frequency attached by ClinVar (database versions not stated): TOPMed 0.00001.
gnomAD v4.1: 10 of 1,604,284 alleles (0.00062%); highest among the groups gnomAD compares: Non-Finnish European, 0.00077%; no homozygotes.

Submission:

Labcorp Genetics (formerly Invitae), Labcorp
Classification: Uncertain significance for Multiple congenital anomalies-hypotonia-seizures syndrome 1. Last evaluated: 2022-02-03. Review status: criteria provided, single submitter. Criteria: Invitae Variant Classification Sherloc (09022015). Collection method: clinical testing. Allele origin: germline.
Comment: This sequence change replaces glycine, which is neutral and non-polar, with aspartic acid, which is acidic and polar, at codon 755 of the PIGN protein (p.Gly755Asp). This variant is not present in population databases (gnomAD no frequency). This variant has not been reported in the literature in individuals affected with PIGN-related conditions. ClinVar contains an entry for this variant (Variation ID: 942135). Algorithms developed to predict the effect of missense changes on protein structure and function output the following: SIFT: "Deleterious"; PolyPhen-2: "Benign"; Align-GVGD: "Class C0". The aspartic acid amino acid residue is found in multiple mammalian species, which suggests that this missense change does not adversely affect protein function. In summary, the available evidence is currently insufficient to determine the role of this variant in disease. Therefore, it has been classified as a Variant of Uncertain Significance.